The following is an entry in ClinVar:

ClinVar aggregate classification (germline): Uncertain significance (1 of 4 stars; one submission).

Conditions:
Hereditary cancer-predisposing syndrome. Also called: Neoplastic Syndromes, Hereditary; Hereditary Cancer Syndrome; Tumor predisposition; Hereditary neoplastic syndrome. Identifiers: Orphanet 140162, MedGen C0027672, MeSH D009386, MONDO:0015356.

Submission:

Ambry Genetics
Classification: Uncertain significance for Hereditary cancer-predisposing syndrome. Last evaluated: 2025-02-23. Review status: criteria provided, single submitter. Criteria: Ambry Variant Classification Scheme 2023. Collection method: clinical testing. Allele origin: germline.
Comment: The p.E1309D variant (also known as c.3927A>C), located in coding exon 23 of the PTCH1 gene, results from an A to C substitution at nucleotide position 3927. The glutamic acid at codon 1309 is replaced by aspartic acid, an amino acid with highly similar properties. This amino acid position is conserved. In addition, this alteration is predicted to be tolerated by in silico analysis. Based on the available evidence, the clinical significance of this variant remains unclear.

NM_000264.5(PTCH1):c.3927A>C (p.Glu1309Asp)

Gene: PTCH1 (patched 1; minus strand). Cytogenetic location: 9q22.32.
Variant type: single nucleotide variant.
Coding change: c.3927A>C on transcript NM_000264.5 (MANE Select); coding-DNA position 3927, A replaced by C.
Protein change: p.Glu1309Asp; replaces glutamic acid 1309 with aspartic acid.
Molecular consequence: missense variant. On other transcripts: non-coding transcript variant (1).
Genome position (GRCh38, 1-based): chr9:95,447,329, T>G on the plus strand (A>C on the coding strand, the complement: PTCH1 is on the minus strand). VCF-style: chr9-95447329-T-G. GRCh37 (hg19) VCF-style: chr9-98209611-T-G.
Other names: c.3729A>C, p.Glu1243Asp (NM_001083602.3); c.3924A>C, p.Glu1308Asp (NM_001083603.3); c.3474A>C, p.Glu1158Asp (NM_001083604.3, NM_001083605.3, NM_001083606.3 and 1 more transcripts); c.3771A>C, p.Glu1257Asp (NM_001354918.2); short protein forms E1243D, E1309D, E1257D, E1158D, E1308D.
Identifiers: ClinVar variation 3784671 (VCV003784671.1).